The following is an entry in ClinVar:

NM_002838.5(PTPRC):c.985G>A (p.Glu329Lys)

Gene: PTPRC (protein tyrosine phosphatase receptor type C; plus strand). Cytogenetic location: 1q32.1.
Variant type: single nucleotide variant.
Coding change: c.985G>A on transcript NM_002838.5 (MANE Select); coding-DNA position 985, G replaced by A.
Protein change: p.Glu329Lys; replaces glutamic acid 329 with lysine.
Molecular consequence: missense variant.
Genome position (GRCh38, 1-based): chr1:198,708,213, G>A. VCF-style: chr1-198708213-G-A. GRCh37 (hg19) VCF-style: chr1-198677342-G-A.
Other names: c.502G>A, p.Glu168Lys (NM_080921.4); short protein forms E329K, E168K.
Identifiers: ClinVar variation 533066 (VCV000533066.6), dbSNP rs2274367, ClinGen allele CA1314658.

ClinVar aggregate classification (germline): Uncertain significance. Review status: criteria provided, multiple submitters, no conflicts (2 of 4 stars). 2 submissions from 2 submitters: Uncertain significance (2). Last evaluated 2022-06-18.

Conditions:
Immunodeficiency 104. Also called: Severe combined immunodeficiency, autosomal recessive, T cell-negative, B cell-positive, NK cell-positive; SCID, AUTOSOMAL RECESSIVE, T CELL-NEGATIVE, B CELL-POSITIVE, NK CELL-POSITIVE; Severe Combined Immune Deficiency, Autosomal Recessive, TCell -Negative, B Cell-Positive, NK Cell-Positive, IL7R-Related; IMMUNODEFICIENCY 104, SEVERE COMBINED. Identifiers: MedGen C5676890, MONDO:0012163, OMIM 608971.

Allele frequency attached by ClinVar (database versions not stated): gnomAD 0.00007 and 0.00011; TOPMed 0.00013; gnomAD exomes 0.00014 and 0.00015; ExAC 0.00017; 1000 Genomes Project 0.00040; 1000 Genomes Project 30x 0.00047.
gnomAD v4.1: 231 of 1,605,804 alleles (0.014%); highest among the groups gnomAD compares: East Asian, 0.51%; no homozygotes.

Submissions (2):

Labcorp Genetics (formerly Invitae), Labcorp
Classification: Uncertain significance for Immunodeficiency 104. Last evaluated: 2022-06-18. Review status: criteria provided, single submitter. Criteria: Invitae Variant Classification Sherloc (09022015). Collection method: clinical testing. Allele origin: germline.
Comment: This sequence change replaces glutamic acid, which is acidic and polar, with lysine, which is basic and polar, at codon 329 of the PTPRC protein (p.Glu329Lys). This variant is present in population databases (rs2274367, gnomAD 0.2%). This variant has not been reported in the literature in individuals affected with PTPRC-related conditions. ClinVar contains an entry for this variant (Variation ID: 533066). Algorithms developed to predict the effect of missense changes on protein structure and function output the following: SIFT: "Tolerated"; PolyPhen-2: "Benign"; Align-GVGD: "Class C0". The lysine amino acid residue is found in multiple mammalian species, which suggests that this missense change does not adversely affect protein function. Algorithms developed to predict the effect of sequence changes on RNA splicing suggest that this variant may disrupt the consensus splice site. In summary, the available evidence is currently insufficient to determine the role of this variant in disease. Therefore, it has been classified as a Variant of Uncertain Significance.

Baylor Genetics
Classification: Uncertain significance for Immunodeficiency 104. Last evaluated: 2018-06-20. Review status: criteria provided, single submitter. Criteria: ACMG Guidelines, 2015. Collection method: clinical testing. Allele origin: maternal. Affected: yes.
Comment: This variant was determined to be of uncertain significance according to ACMG Guidelines, 2015 [PMID:25741868].